The following is an entry in ClinVar:

NM_001148.6(ANK2):c.5969T>C (p.Val1990Ala)

Genes: ANK2 (ankyrin 2; plus strand), LOC126807136 (MED14-independent group 3 enhancer GRCh37_chr4:114274931-114276130; plus strand). Cytogenetic location: 4q26.
Variant type: single nucleotide variant.
Coding change: c.5969T>C on transcript NM_001148.6 (MANE Select); coding-DNA position 5969, T replaced by C.
Protein change: p.Val1990Ala; replaces valine 1990 with alanine.
Molecular consequence: missense variant. On other transcripts: intron variant (68).
Genome position (GRCh38, 1-based): chr4:113,354,587, T>C. VCF-style: chr4-113354587-T-C. GRCh37 (hg19) VCF-style: chr4-114275743-T-C.
Other names: c.5735T>C, p.Val1912Ala (NM_001386142.1); c.2369T>C, p.Val790Ala (NM_001386166.1); c.6110T>C, p.Val2037Ala (NM_001386174.1); c.6086T>C, p.Val2029Ala (NM_001386175.1); c.4411+4338T>C (NM_001386186.2, NM_001386148.2); c.4213+4338T>C (NM_001354269.3); c.4291+4338T>C (NM_001386187.2); c.4252+4338T>C (NM_001386147.1); and 35 more; short protein forms V1912A, V1990A, V2029A, V2037A, V790A.
Identifiers: ClinVar variation 3774230 (VCV003774230.1).

ClinVar aggregate classification (germline): Uncertain significance (1 of 4 stars; one submission).

Submission:

GeneDx
Classification: Uncertain significance. Last evaluated: 2024-09-20. Review status: criteria provided, single submitter. Criteria: GeneDx Variant Classification Process June 2021. Collection method: clinical testing. Allele origin: germline. Affected: yes.
Comment: Not observed at significant frequency in large population cohorts (gnomAD); In silico analysis indicates that this missense variant does not alter protein structure/function; Has not been previously published as pathogenic or benign to our knowledge